The following is an entry in ClinVar:

NM_014704.4(CEP104):c.14T>C (p.Ile5Thr)

Gene: CEP104 (centrosomal protein 104; minus strand). Cytogenetic location: 1p36.32.
Variant type: single nucleotide variant.
Coding change: c.14T>C on transcript NM_014704.4 (MANE Select); coding-DNA position 14, T replaced by C.
Protein change: p.Ile5Thr; replaces isoleucine 5 with threonine.
Molecular consequence: missense variant.
Genome position (GRCh38, 1-based): chr1:3,852,394, A>G on the plus strand (T>C on the coding strand, the complement: CEP104 is on the minus strand). VCF-style: chr1-3852394-A-G. GRCh37 (hg19) VCF-style: chr1-3768958-A-G.
Other names: short protein forms I5T.
Identifiers: ClinVar variation 1447609 (VCV001447609.7), dbSNP rs778380560, ClinGen allele CA552091.

ClinVar aggregate classification (germline): Uncertain significance (1 of 4 stars; one submission).

Conditions:
Joubert syndrome 25 (JBTS25). Identifiers: Orphanet 475, MedGen C4084842, MONDO:0014770, OMIM 616781.

Allele frequency attached by ClinVar (database versions not stated): gnomAD exomes below 0.00001 and 0.00001; ExAC 0.00002; TOPMed 0.00002.
gnomAD v4.1: 5 of 1,613,930 alleles (0.00031%); highest among the groups gnomAD compares: South Asian, 0.0044%; no homozygotes.

Submission:

Labcorp Genetics (formerly Invitae), Labcorp
Classification: Uncertain significance for Joubert syndrome 25. Last evaluated: 2021-06-02. Review status: criteria provided, single submitter. Criteria: Invitae Variant Classification Sherloc (09022015). Collection method: clinical testing. Allele origin: germline.
Comment: This sequence change replaces isoleucine with threonine at codon 5 of the CEP104 protein (p.Ile5Thr). The isoleucine residue is highly conserved and there is a moderate physicochemical difference between isoleucine and threonine. This variant is present in population databases (rs778380560, ExAC 0.01%). This variant has not been reported in the literature in individuals with CEP104-related conditions. Algorithms developed to predict the effect of missense changes on protein structure and function are either unavailable or do not agree on the potential impact of this missense change (SIFT: "Deleterious"; PolyPhen-2: "Benign"; Align-GVGD: "Class C65"). In summary, the available evidence is currently insufficient to determine the role of this variant in disease. Therefore, it has been classified as a Variant of Uncertain Significance.